The following is an entry in ClinVar:

ClinVar aggregate classification (germline): Uncertain significance (1 of 4 stars; one submission).

Submission:

Ambry Genetics
Classification: Uncertain significance. Last evaluated: 2025-08-28. Review status: criteria provided, single submitter. Criteria: Ambry Variant Classification Scheme 2023. Collection method: clinical testing. Allele origin: germline.
Comment: The p.V1049F variant (also known as c.3145G>T), located in coding exon 12 of the WNK2 gene, results from a G to T substitution at nucleotide position 3145. The valine at codon 1049 is replaced by phenylalanine, an amino acid with highly similar properties. This amino acid position is conserved. In addition, this alteration is predicted to be tolerated by in silico analysis. Based on the available evidence, the clinical significance of this variant remains unclear.

NM_006648.4(WNK2):c.3145G>T (p.Val1049Phe)

Gene: WNK2 (WNK lysine deficient protein kinase 2; plus strand). Cytogenetic location: 9q22.31.
Variant type: single nucleotide variant.
Coding change: c.3145G>T on transcript NM_006648.4 (MANE Select); coding-DNA position 3145, G replaced by T.
Protein change: p.Val1049Phe; replaces valine 1049 with phenylalanine.
Molecular consequence: missense variant.
Genome position (GRCh38, 1-based): chr9:93,261,892, G>T. VCF-style: chr9-93261892-G-T. GRCh37 (hg19) VCF-style: chr9-96024174-G-T.
Other names: c.3145G>T, p.Val1049Phe (NM_001282394.3); short protein forms V1049F.
Identifiers: ClinVar variation 4201828 (VCV004201828.1).